The following is an entry in ClinVar:

NM_015374.3(SUN2):c.799T>C (p.Ser267Pro)

Gene: SUN2 (Sad1 and UNC84 domain containing 2; minus strand). Cytogenetic location: 22q13.1.
Variant type: single nucleotide variant.
Coding change: c.799T>C on transcript NM_015374.3 (MANE Select); coding-DNA position 799, T replaced by C.
Protein change: p.Ser267Pro; replaces serine 267 with proline.
Molecular consequence: missense variant. On other transcripts: intron variant (2).
Genome position (GRCh38, 1-based): chr22:38,745,698, A>G on the plus strand (T>C on the coding strand, the complement: SUN2 is on the minus strand). VCF-style: chr22-38745698-A-G. GRCh37 (hg19) VCF-style: chr22-39141703-A-G.
Other names: c.862T>C, p.Ser288Pro (NM_001199579.2, NM_001394428.1); c.799T>C, p.Ser267Pro (NM_001199580.2, NM_001394431.1, NM_001394432.1 and 6 more transcripts); c.892T>C, p.Ser298Pro (NM_001394427.1); c.844T>C, p.Ser282Pro (NM_001394429.1, NM_001394430.1); c.709T>C, p.Ser237Pro (NM_001394438.1); c.661T>C, p.Ser221Pro (NM_001394439.1, NM_001394440.1, NM_001394441.1); c.307T>C, p.Ser103Pro (NM_001394443.1); c.614+4068T>C (NM_001394444.1, NM_001394445.1); short protein forms S237P, S267P, S298P, S221P, S282P, S103P, S288P.
Identifiers: ClinVar variation 2139200 (VCV002139200.4), dbSNP rs759757490, ClinGen allele CA10235774.

ClinVar aggregate classification (germline): Uncertain significance (1 of 4 stars; one submission).

Conditions:
Emery-Dreifuss muscular dystrophy (EDMD). Also called: Scapuloperoneal syndrome, X-linked (formerly); Humeroperoneal neuromuscular disease, (formerly). Identifiers: Orphanet 261, MedGen C0410189, MONDO:0016830.

Allele frequency attached by ClinVar (database versions not stated): gnomAD exomes 0.00001; ExAC 0.00002; TOPMed 0.00002.
gnomAD v4.1: 7 of 1,613,604 alleles (0.00043%); highest among the groups gnomAD compares: Admixed American, 0.0033%; no homozygotes.

Submission:

Labcorp Genetics (formerly Invitae), Labcorp
Classification: Uncertain significance for Emery-Dreifuss muscular dystrophy. Last evaluated: 2022-07-06. Review status: criteria provided, single submitter. Criteria: Invitae Variant Classification Sherloc (09022015). Collection method: clinical testing. Allele origin: germline.
Comment: This sequence change replaces serine, which is neutral and polar, with proline, which is neutral and non-polar, at codon 267 of the SUN2 protein (p.Ser267Pro). This variant is present in population databases (rs759757490, gnomAD 0.006%). This variant has not been reported in the literature in individuals affected with SUN2-related conditions. Algorithms developed to predict the effect of missense changes on protein structure and function (SIFT, PolyPhen-2, Align-GVGD) all suggest that this variant is likely to be tolerated. In summary, the available evidence is currently insufficient to determine the role of this variant in disease. Therefore, it has been classified as a Variant of Uncertain Significance.